The following is an entry in ClinVar:

ClinVar aggregate classification (germline): Pathogenic (1 of 4 stars; one submission).

Conditions:
Primary ciliary dyskinesia 28. Also called: CILIARY DYSKINESIA, PRIMARY, 28, WITH OR WITHOUT SITUS INVERSUS. Identifiers: Orphanet 244, MedGen C3809706, MONDO:0014216, OMIM 615505.

Submission:

Labcorp Genetics (formerly Invitae), Labcorp
Classification: Pathogenic for Primary ciliary dyskinesia 28. Last evaluated: 2023-07-07. Review status: criteria provided, single submitter. Criteria: Invitae Variant Classification Sherloc (09022015). Collection method: clinical testing. Allele origin: germline.
Comment: This variant has not been reported in the literature in individuals affected with SPAG1-related conditions. This variant is not present in population databases (gnomAD no frequency). This sequence change creates a premature translational stop signal (p.Arg338Glyfs*7) in the SPAG1 gene. It is expected to result in an absent or disrupted protein product. Loss-of-function variants in SPAG1 are known to be pathogenic (PMID: 24055112). ClinVar contains an entry for this variant (Variation ID: 1408626). For these reasons, this variant has been classified as Pathogenic.

Literature cited by the submitters: PubMed 24055112.

NM_003114.5(SPAG1):c.1012del (p.Arg338fs)

Gene: SPAG1 (sperm associated antigen 1; plus strand). Cytogenetic location: 8q22.2.
Variant type: Deletion.
Coding change: c.1012del on transcript NM_003114.5 (MANE Select); coding-DNA position 1012, one base deleted (A; older notation c.1012delA).
Protein change: p.Arg338fs; shifts the reading frame from arginine 338.
Molecular consequence: frameshift variant.
Genome position (GRCh38, 1-based): chr8:100,194,184, A deleted; the last of 4 consecutive A bases (chr8:100,194,181-100,194,184); deleting any one gives the same sequence. VCF-style (leftmost placement, unchanged base first): chr8-100194180-GA-G. GRCh37 (hg19) VCF-style: chr8-101206408-GA-G.
Other names: c.1012del, p.Arg338fs (NM_001374321.1, NM_172218.3); short protein forms R338fs.
Identifiers: ClinVar variation 1408626 (VCV001408626.6), dbSNP rs2132289617, ClinGen allele CA2573142692.